The following is an entry in ClinVar:

ClinVar aggregate classification (germline): Likely pathogenic (1 of 4 stars; one submission).

Conditions:
Cataract 48. Identifiers: MedGen C5193082, MONDO:0032735, OMIM 618415.

Submission:

Kasturba Medical College, Manipal, Kasturba Medical College, Manipal, Manipal Academy of Higher Education, Manipal, India
Classification: Likely pathogenic for Cataract 48. Review status: criteria provided, single submitter. Criteria: ACMG Guidelines, 2015. Collection method: clinical testing. Allele origin: biparental. Inheritance: Autosomal recessive inheritance. Affected: yes. Observed: 1 homozygote.
Comment: The single nucleotide deletion leads to a shift in the reading frame likely to result in premature truncation of the transcript which may either undergo nonsense-mediated decay or result in the formation of a truncated DNMBP protein.

NM_015221.4(DNMBP):c.1442del (p.Gly481fs)

Genes: DNMBP (dynamin binding protein; minus strand), DNMBP-AS1 (DNMBP antisense RNA 1; plus strand). Cytogenetic location: 10q24.2.
Variant type: Deletion.
Coding change: c.1442del on transcript NM_015221.4 (MANE Select); coding-DNA position 1442, one base deleted (G; older notation c.1442delG).
Protein change: p.Gly481fs; shifts the reading frame from glycine 481.
Molecular consequence: frameshift variant.
Genome position (GRCh38, 1-based): chr10:99,956,032, C deleted on the plus strand (G on the coding strand, the reverse complement: DNMBP is on the minus strand); the first of 4 consecutive C bases (chr10:99,956,032-99,956,035); deleting any one gives the same sequence. VCF-style (leftmost placement, unchanged base first): chr10-99956031-GC-G. GRCh37 (hg19) VCF-style: chr10-101715788-GC-G.
Other names: c.1442delG (NM_015221.4); short protein forms G481fs.
Identifiers: ClinVar variation 3148840 (VCV003148840.3), dbSNP rs2493261927, ClinGen allele CA2825001737.